The following is an entry in ClinVar:

NM_000038.6(APC):c.688C>G (p.Arg230Gly)

Gene: APC (APC regulator of Wnt signaling pathway; plus strand). Cytogenetic location: 5q22.2.
Variant type: single nucleotide variant.
Coding change: c.688C>G on transcript NM_000038.6 (MANE Select); coding-DNA position 688, C replaced by G.
Protein change: p.Arg230Gly; replaces arginine 230 with glycine.
Molecular consequence: missense variant. On other transcripts: 5 prime UTR variant (1), intron variant (2).
Genome position (GRCh38, 1-based): chr5:112,792,488, C>G. VCF-style: chr5-112792488-C-G. GRCh37 (hg19) VCF-style: chr5-112128185-C-G.
Other names: c.688C>G (NM_000038.5); c.688C>G, p.Arg230Gly (NM_001127510.3, NM_001354895.2, NM_001354896.2 and 1 more transcripts); c.718C>G, p.Arg240Gly (NM_001354897.2, NM_001354902.2); c.613C>G, p.Arg205Gly (NM_001354898.2, NM_001354904.2); c.511C>G, p.Arg171Gly (NM_001354900.2, NM_001354901.2, NM_001354905.2); c.-348C>G (NM_001354906.2); c.676-8791C>G (NM_001127511.3); c.646-8791C>G (NM_001354899.2); short protein forms R171G, R205G, R230G, R240G.
Identifiers: ClinVar variation 1003158 (VCV001003158.12), dbSNP rs587779805, ClinGen allele CA16022843.
Genomic context (GRCh38, chr5:112,792,488, plus strand): 5'-TTTCTTGTTTTATTTTAGCGAAGAATAGCCAGAATTCAGCAAATCGAAAAGGACATACTT[C>G]GTATACGACAGCTTTTACAGTCCCAAGCAACAGAAGCAGAGGTTAGTAAATTGCCTTTCT-3'
Protein context (NP_000029.2, residues 220-240): RIQQIEKDIL[Arg230Gly]IRQLLQSQAT

ClinVar aggregate classification (germline): Uncertain significance. Review status: criteria provided, multiple submitters, no conflicts (2 of 4 stars). 3 submissions from 3 submitters: Uncertain significance (3). Last evaluated 2025-10-03.

Conditions:
Classic or attenuated familial adenomatous polyposis. Identifiers: MedGen CN372698, MONDO:0021057.
Hereditary cancer-predisposing syndrome. Also called: Hereditary neoplastic syndrome; Neoplastic Syndromes, Hereditary; Tumor predisposition; Hereditary Cancer Syndrome. Identifiers: Orphanet 140162, MedGen C0027672, MeSH D009386, MONDO:0015356.
Familial adenomatous polyposis 1 (FAP1). Also called: FAMILIAL ADENOMATOUS POLYPOSIS 1, ATTENUATED; POLYPOSIS, ADENOMATOUS INTESTINAL. Identifiers: MedGen C2713442, MONDO:0021056, OMIM 175100. Disease mechanism: loss of function.

Submissions (3):

Ambry Genetics
Classification: Uncertain significance for Hereditary cancer-predisposing syndrome. Last evaluated: 2025-10-03. Review status: criteria provided, single submitter. Criteria: Ambry Variant Classification Scheme 2023. Collection method: clinical testing. Allele origin: germline.
Comment: The p.R230G variant (also known as c.688C>G), located in coding exon 6 of the APC gene, results from a C to G substitution at nucleotide position 688. The arginine at codon 230 is replaced by glycine, an amino acid with dissimilar properties. This amino acid position is highly conserved in available vertebrate species. In addition, in silico predictors for this gene do not accurately predict pathogenicity. Missense variants in APC are not a common cause of disease (Spier I et al. Genet Med. 2024 Feb;26(2):100992). Based on the available evidence, the clinical significance of this variant remains unclear.

All of Us Research Program, National Institutes of Health
Classification: Uncertain significance for Classic or attenuated familial adenomatous polyposis. Last evaluated: 2024-04-25. Review status: criteria provided, single submitter. Criteria: ACMG Guidelines, 2015. Collection method: clinical testing. Allele origin: germline. Inheritance: Autosomal dominant inheritance. Observed: 1 variant allele, 1 heterozygote.
Comment: This missense variant replaces arginine with glycine at codon 230 of the APC protein. Computational prediction suggests that this variant may have deleterious impact on protein structure and function. To our knowledge, functional studies have not been reported for this variant. This variant has not been reported in individuals affected with APC-related disorders in the literature. This variant has not been identified in the general population by the Genome Aggregation Database (gnomAD). The available evidence is insufficient to determine the role of this variant in disease conclusively. Therefore, this variant is classified as a Variant of Uncertain Significance.

This study involves interpretation of variants in research participants for the purpose of population health screening. Participant phenotype was not available at the time of variant classification. Additional details can be found in publication PMID: 35346344, PMCID: PMC8962531

Labcorp Genetics (formerly Invitae), Labcorp
Classification: Uncertain significance for Familial adenomatous polyposis 1. Last evaluated: 2020-03-14. Review status: criteria provided, single submitter. Criteria: Invitae Variant Classification Sherloc (09022015). Collection method: clinical testing. Allele origin: germline.
Comment: In summary, the available evidence is currently insufficient to determine the role of this variant in disease. Therefore, it has been classified as a Variant of Uncertain Significance. Algorithms developed to predict the effect of missense changes on protein structure and function are either unavailable or do not agree on the potential impact of this missense change (SIFT: "Deleterious"; PolyPhen-2: "Benign"; Align-GVGD: "Class C0"). This variant has not been reported in the literature in individuals with APC-related conditions. This variant is not present in population databases (ExAC no frequency). This sequence change replaces arginine with glycine at codon 230 of the APC protein (p.Arg230Gly). The arginine residue is highly conserved and there is a moderate physicochemical difference between arginine and glycine.